The following is an entry in ClinVar:

ClinVar aggregate classification (germline): Likely benign. Review status: criteria provided, multiple submitters, no conflicts (2 of 4 stars). 2 submissions from 2 submitters: Likely benign (2). Last evaluated 2026-07-24.

Conditions:
Cardiovascular phenotype. Identifiers: MedGen CN230736.

Allele frequency attached by ClinVar (database versions not stated): gnomAD 0.00001; gnomAD exomes 0.00001; TOPMed below 0.00001.
gnomAD v4.1: 7 of 1,613,530 alleles (0.00043%); highest among the groups gnomAD compares: Non-Finnish European, 0.00059%; no homozygotes.

Submissions (2):

Ambry Genetics
Classification: Likely benign for Cardiovascular phenotype. Last evaluated: 2026-07-24. Review status: criteria provided, single submitter. Criteria: Ambry Variant Classification Scheme 2023. Collection method: clinical testing. Allele origin: germline.

GeneDx
Classification: Likely benign. Last evaluated: 2015-12-01. Review status: criteria provided, single submitter. Criteria: GeneDx Variant Classification (06012015). Collection method: clinical testing. Allele origin: germline. Affected: yes.
Comment: This variant is considered likely benign or benign based on one or more of the following criteria: it is a conservative change, it occurs at a poorly conserved position in the protein, it is predicted to be benign by multiple in silico algorithms, and/or has population frequency not consistent with disease.

NM_001148.6(ANK2):c.4320G>A (p.Leu1440=)

Gene: ANK2 (ankyrin 2; plus strand). Cytogenetic location: 4q26.
Variant type: single nucleotide variant.
Coding change: c.4320G>A on transcript NM_001148.6 (MANE Select); coding-DNA position 4320, G replaced by A.
Protein change: p.Leu1440=; no amino-acid change (leucine 1440 retained).
Molecular consequence: synonymous variant.
Genome position (GRCh38, 1-based): chr4:113,345,971, G>A. VCF-style: chr4-113345971-G-A. GRCh37 (hg19) VCF-style: chr4-114267127-G-A.
Other names: c.4293G>A, p.Leu1431= (NM_001127493.3); c.4332G>A, p.Leu1444= (NM_001354225.2); c.4221G>A, p.Leu1407= (NM_001354228.2, NM_001354258.2); c.4299G>A, p.Leu1433= (NM_001354230.2); c.4362G>A, p.Leu1454= (NM_001354231.2, NM_001354242.2); c.4356G>A, p.Leu1452= (NM_001354232.2); c.4317G>A, p.Leu1439= (NM_001354235.2, NM_001354246.2, NM_001354265.2); c.4218G>A, p.Leu1406= (NM_001354236.2); and 31 more.
Identifiers: ClinVar variation 379103 (VCV000379103.2), dbSNP rs1057520495, ClinGen allele CA16604665.
Genomic context (GRCh38, chr4:113,345,971, plus strand): 5'-GACTCAGGAACCTTGCGGACGACTATCATTTATGAAGGAGCCAAAATCCACGAGAGGCCT[G>A]GTGCATCAAGCTATTTGCAACTTAAACATCACTTTGCCGATTTATACAAAGGTATCGTAA-3'
Protein context (NP_001139.3, residues 1430-1450): FMKEPKSTRG[Leu1440=]VHQAICNLNI